The following is an entry in ClinVar:

NM_003738.5(PTCH2):c.2106C>T (p.Tyr702=)

Gene: PTCH2 (patched 2; minus strand). Cytogenetic location: 1p34.1.
Variant type: single nucleotide variant.
Coding change: c.2106C>T on transcript NM_003738.5 (MANE Select); coding-DNA position 2106, C replaced by T.
Protein change: p.Tyr702=; no amino-acid change (tyrosine 702 retained).
Molecular consequence: synonymous variant.
Genome position (GRCh38, 1-based): chr1:44,827,667, G>A on the plus strand (C>T on the coding strand, the complement: PTCH2 is on the minus strand). VCF-style: chr1-44827667-G-A. GRCh37 (hg19) VCF-style: chr1-45293339-G-A.
Other names: c.2106C>T, p.Tyr702= (NM_001166292.2).
Identifiers: ClinVar variation 1096593 (VCV001096593.23), dbSNP rs146389042, ClinGen allele CA823100.

ClinVar aggregate classification (germline): Likely benign. Review status: criteria provided, multiple submitters, no conflicts (2 of 4 stars). 2 submissions from 2 submitters: Likely benign (2). Last evaluated 2025-05-27.

Conditions:
Gorlin syndrome. Also called: Basal cell nevus syndrome; Nevoid Basal Cell Carcinoma Syndrome. Identifiers: Orphanet 377, MedGen C0004779, MONDO:0007187.

Allele frequency attached by ClinVar (database versions not stated): ExAC 0.00001; gnomAD 0.00001; gnomAD exomes 0.00002; ESP Exome Variant Server 0.00008.
gnomAD v4.1: 39 of 1,612,670 alleles (0.0024%); highest among the groups gnomAD compares: Middle Eastern, 0.016%; no homozygotes.

Submissions (2):

Labcorp Genetics (formerly Invitae), Labcorp
Classification: Likely benign for Gorlin syndrome. Last evaluated: 2025-05-27. Review status: criteria provided, single submitter. Criteria: Invitae Variant Classification Sherloc (09022015). Collection method: clinical testing. Allele origin: germline.

CeGaT Center for Human Genetics Tuebingen
Classification: Likely benign. Last evaluated: 2024-11-01. Review status: criteria provided, single submitter. Criteria: CeGaT Center For Human Genetics Tuebingen Variant Classification Criteria Version 2. Collection method: clinical testing. Allele origin: germline. Affected: yes. Observed: 1 variant allele.
Comment: PTCH2: BP4, BP7